The following is an entry in ClinVar:

ClinVar aggregate classification (germline): Likely pathogenic (1 of 4 stars; one submission).

Submission:

Labcorp Genetics (formerly Invitae), Labcorp
Classification: Likely pathogenic. Last evaluated: 2023-10-14. Review status: criteria provided, single submitter. Criteria: Invitae Variant Classification Sherloc (09022015). Collection method: clinical testing. Allele origin: germline.
Comment: This sequence change affects a donor splice site in intron 12 of the ITGA6 gene. It is expected to disrupt RNA splicing. Variants that disrupt the donor or acceptor splice site typically lead to a loss of protein function (PMID: 16199547), and loss-of-function variants in ITGA6 are known to be pathogenic (PMID: 9158140, 9185503, 9804362, 27607025). This variant is not present in population databases (gnomAD no frequency). Disruption of this splice site has been observed in individual(s) with clinical features of ITGA6-related conditions (PMID: 9158140). Algorithms developed to predict the effect of sequence changes on RNA splicing suggest that this variant may disrupt the consensus splice site. In summary, the currently available evidence indicates that the variant is pathogenic, but additional data are needed to prove that conclusively. Therefore, this variant has been classified as Likely Pathogenic.

Literature cited by the submitters: PubMed 16199547; PubMed 9158140; PubMed 9185503; PubMed 9804362; PubMed 27607025.

NM_000210.4(ITGA6):c.1710+1G>A

Genes: ITGA6 (integrin subunit alpha 6; plus strand), PDK1-AS1 (PDK1 and ITGA6 antisense RNA 1; minus strand). Cytogenetic location: 2q31.1.
Variant type: single nucleotide variant.
Coding change: c.1710+1G>A on transcript NM_000210.4 (MANE Select); the canonical splice donor site of the intron after coding-DNA position 1710, G replaced by A.
Molecular consequence: splice donor variant.
Genome position (GRCh38, 1-based): chr2:172,484,943, G>A. VCF-style: chr2-172484943-G-A. GRCh37 (hg19) VCF-style: chr2-173349671-G-A.
Other names: c.1353+1G>A (NM_001316306.2); c.1827+1G>A (NM_001394928.1); c.1710+1G>A (NM_001079818.3, NM_001365530.2, NM_001365529.2).
Identifiers: ClinVar variation 2768300 (VCV002768300.3), dbSNP rs2468360599, ClinGen allele CA349292584.